The following is an entry in ClinVar:

ClinVar aggregate classification (germline): Likely pathogenic (1 of 4 stars; one submission).

Conditions:
Duchenne muscular dystrophy (DMD). Also called: MUSCULAR DYSTROPHY, PSEUDOHYPERTROPHIC PROGRESSIVE, DUCHENNE TYPE; Duchenne Muscular Dystrophy (DMD). Identifiers: Orphanet 98896, MedGen C0013264, MONDO:0010679, OMIM 310200.

Submission:

Laboratory of Medical Genetics, National & Kapodistrian University of Athens
Classification: Likely pathogenic for Duchenne muscular dystrophy. Last evaluated: 2022-12-16. Review status: criteria provided, single submitter. Criteria: ACMG Guidelines, 2015. Collection method: clinical testing. Allele origin: germline. Affected: yes.
Comment: PVS1, PM2

NM_004006.3(DMD):c.6147del (p.Gly2050fs)

Gene: DMD (dystrophin; minus strand). Cytogenetic location: Xp21.1.
Variant type: Deletion.
Coding change: c.6147del on transcript NM_004006.3 (MANE Select); coding-DNA position 6147, one base deleted (A; older notation c.6147delA).
Protein change: p.Gly2050fs; shifts the reading frame from glycine 2050.
Molecular consequence: frameshift variant.
Genome position (GRCh38, 1-based): chrX:32,287,672, T deleted on the plus strand (A on the coding strand, the reverse complement: DMD is on the minus strand). VCF-style (leftmost placement, unchanged base first): chrX-32287671-CT-C. GRCh37 (hg19) VCF-style: chrX-32305788-CT-C.
Other names: c.6123del, p.Gly2042fs (NM_000109.4); c.6135del, p.Gly2046fs (NM_004009.3); c.5778del, p.Gly1927fs (NM_004010.3); c.2124del, p.Gly709fs (NM_004011.4); c.2115del, p.Gly706fs (NM_004012.4); short protein forms G1927fs, G2042fs, G2046fs, G2050fs, G706fs, G709fs.
Identifiers: ClinVar variation 1806424 (VCV001806424.1), dbSNP rs2519922410, ClinGen allele CA2580100635.